The following is an entry in ClinVar:

ClinVar aggregate classification (germline): Likely pathogenic (1 of 4 stars; one submission).

Conditions:
Intellectual developmental disorder, autosomal dominant 54. Also called: MENTAL RETARDATION, AUTOSOMAL DOMINANT 54; Intellectual disability, autosomal dominant 54. Identifiers: MedGen C4540484, MONDO:0030920, OMIM 617799.

Submission:

Center for Human Genetics and Genomic Medicine, Uniklinik Rwth Aachen
Classification: Likely pathogenic for Intellectual developmental disorder, autosomal dominant 54. Last evaluated: 2026-01-21. Review status: criteria provided, single submitter. Criteria: ACMG Guidelines, 2015. Collection method: clinical testing. Allele origin: germline. Inheritance: Autosomal dominant inheritance. Affected: yes. Observed: 1 variant allele, 1 heterozygote.
Comment: The variant has not yet been reported in the literature or in the ClinVar database, and it has not yet been detected in the general population (gnomAD v4.1.0) (PM2_sup). Bioinformatics prediction programs indicate that the variant affects splicing (SpliceAI score: Acceptor Loss: 0.99; PVS1_str). Since other pathogenic variants have been reported in this region, the PM5_sup criterion may be applied in accordance with VCEP specifications (ClinGen Variant Curation Expert Panel). In the CAMK2B gene, splice variants are known to be pathogenetically relevant (for an overview: Cheung et al.).

Literature cited by the submitters: PubMed 39631163.

NM_001220.5(CAMK2B):c.66-2del

Gene: CAMK2B (calcium/calmodulin dependent protein kinase II beta; minus strand). Cytogenetic location: 7p13.
Variant type: Deletion.
Coding change: c.66-2del on transcript NM_001220.5 (MANE Select); the canonical splice acceptor site of the intron before coding-DNA position 66, one base deleted (A; older notation c.66-2delA).
Molecular consequence: splice acceptor variant.
Genome position (GRCh38, 1-based): chr7:44,284,227, T deleted on the plus strand (A on the coding strand, the reverse complement: CAMK2B is on the minus strand). VCF-style (leftmost placement, unchanged base first): chr7-44284226-CT-C. GRCh37 (hg19) VCF-style: chr7-44323825-CT-C.
Other names: c.66-2del (NM_172084.3, NM_172080.3, NM_172083.3 and 5 more transcripts).
Identifiers: ClinVar variation 4857005 (VCV004857005.1).